The following is an entry in ClinVar:

ClinVar aggregate classification (germline): Uncertain significance (1 of 4 stars; one submission).

Conditions:
Neuropathy, hereditary sensory and autonomic, type 2A (HSAN2A). Also called: ACROOSTEOLYSIS, GIACCAI TYPE; ACROOSTEOLYSIS, NEUROGENIC; MORVAN DISEASE; NEUROPATHY, CONGENITAL SENSORY; NEUROPATHY, HEREDITARY SENSORY RADICULAR, AUTOSOMAL RECESSIVE; NEUROPATHY, HEREDITARY SENSORY, TYPE IIA. Identifiers: Orphanet 970, MedGen C2752089, MONDO:0024309, OMIM 201300.
Pseudohypoaldosteronism type 2C (PHA2C). Also called: Pseudohypoaldosteronism Type IIC. Identifiers: Orphanet 757, Orphanet 88940, MedGen C1840391, MONDO:0013778, OMIM 614492.

Submission:

Labcorp Genetics (formerly Invitae), Labcorp
Classification: Uncertain significance for Neuropathy, hereditary sensory and autonomic, type 2A; Pseudohypoaldosteronism type 2C. Last evaluated: 2022-03-10. Review status: criteria provided, single submitter. Criteria: Invitae Variant Classification Sherloc (09022015). Collection method: clinical testing. Allele origin: germline.
Comment: In summary, the available evidence is currently insufficient to determine the role of this variant in disease. Therefore, it has been classified as a Variant of Uncertain Significance. Advanced modeling of protein sequence and biophysical properties (such as structural, functional, and spatial information, amino acid conservation, physicochemical variation, residue mobility, and thermodynamic stability) performed at Invitae indicates that this missense variant is not expected to disrupt WNK1 protein function. This variant has not been reported in the literature in individuals affected with WNK1-related conditions. This variant is not present in population databases (gnomAD no frequency). This sequence change replaces phenylalanine, which is neutral and non-polar, with cysteine, which is neutral and slightly polar, at codon 17 of the WNK1 protein (p.Phe17Cys).

NM_018979.4(WNK1):c.50T>G (p.Phe17Cys)

Gene: WNK1 (WNK lysine deficient protein kinase 1; plus strand). Cytogenetic location: 12p13.33.
Variant type: single nucleotide variant.
Coding change: c.50T>G on transcript NM_018979.4 (MANE Select); coding-DNA position 50, T replaced by G.
Protein change: p.Phe17Cys; replaces phenylalanine 17 with cysteine.
Molecular consequence: missense variant.
Genome position (GRCh38, 1-based): chr12:753,615, T>G. VCF-style: chr12-753615-T-G. GRCh37 (hg19) VCF-style: chr12-862781-T-G.
Other names: c.50T>G, p.Phe17Cys (NM_001184985.2, NM_014823.3, NM_213655.5); short protein forms F17C.
Identifiers: ClinVar variation 2108451 (VCV002108451.4), dbSNP rs1451142227, ClinGen allele CA383303465.